The following is an entry in ClinVar:

NM_015602.4(TOR1AIP1):c.583C>T (p.Arg195Ter)

Gene: TOR1AIP1 (torsin 1A interacting protein 1; plus strand). Cytogenetic location: 1q25.2.
Variant type: single nucleotide variant.
Coding change: c.583C>T on transcript NM_015602.4 (MANE Select); coding-DNA position 583, C replaced by T.
Protein change: p.Arg195Ter; replaces arginine 195 with a stop codon.
Molecular consequence: nonsense.
Genome position (GRCh38, 1-based): chr1:179,889,342, C>T. VCF-style: chr1-179889342-C-T. GRCh37 (hg19) VCF-style: chr1-179858477-C-T.
Other names: c.586C>T, p.Arg196Ter (NM_001267578.2); short protein forms R196*, R195*.
Identifiers: ClinVar variation 3023484 (VCV003023484.3), dbSNP rs907592735, ClinGen allele CA33715198.

ClinVar aggregate classification (germline): Pathogenic (1 of 4 stars; one submission).

Conditions:
Autosomal recessive limb-girdle muscular dystrophy type 2Y (MRRSDC). Also called: Muscular dystrophy, limb-girdle, type 2y; Muscular dystrophy, autosomal recessive, with rigid spine and distal joint contractures. Identifiers: Orphanet 424261, MedGen C4511482, MONDO:0014900, OMIM 617072.

Allele frequency attached by ClinVar (database versions not stated): gnomAD exomes below 0.00001; gnomAD 0.00001; TOPMed 0.00002.
gnomAD v4.1: 4 of 1,606,742 alleles (0.00025%); highest among the groups gnomAD compares: Non-Finnish European, 0.00026%; no homozygotes.

Submission:

Labcorp Genetics (formerly Invitae), Labcorp
Classification: Pathogenic for Autosomal recessive limb-girdle muscular dystrophy type 2Y. Last evaluated: 2023-12-05. Review status: criteria provided, single submitter. Criteria: Invitae Variant Classification Sherloc (09022015). Collection method: clinical testing. Allele origin: germline.
Comment: This sequence change creates a premature translational stop signal (p.Arg196*) in the TOR1AIP1 gene. It is expected to result in an absent or disrupted protein product. Loss-of-function variants in TOR1AIP1 are known to be pathogenic (PMID: 24856141, 27342937). This variant is present in population databases (no rsID available, gnomAD 0.01%). This variant has not been reported in the literature in individuals affected with TOR1AIP1-related conditions. Algorithms developed to predict the effect of sequence changes on RNA splicing suggest that this variant may disrupt the consensus splice site. For these reasons, this variant has been classified as Pathogenic.

Literature cited by the submitters: PubMed 24856141; PubMed 27342937.